The following is an entry in ClinVar:

ClinVar aggregate classification (germline): Likely benign. Review status: criteria provided, multiple submitters, no conflicts (2 of 4 stars). 2 submissions from 2 submitters: Likely benign (2). Last evaluated 2025-10-01.

Allele frequency attached by ClinVar (database versions not stated): TOPMed 0.00001.
gnomAD v4.1: 13 of 1,613,988 alleles (0.00081%); highest among the groups gnomAD compares: East Asian, 0.0022%; no homozygotes.

Submissions (2):

CeGaT Center for Human Genetics Tuebingen
Classification: Likely benign. Last evaluated: 2025-10-01. Review status: criteria provided, single submitter. Criteria: CeGaT Center For Human Genetics Tuebingen Variant Classification Criteria Version 2. Collection method: clinical testing. Allele origin: germline. Affected: yes. Observed: 1 variant allele.
Comment: FBLN5: BP4, BP7

Labcorp Genetics (formerly Invitae), Labcorp
Classification: Likely benign. Last evaluated: 2025-03-07. Review status: criteria provided, single submitter. Criteria: Invitae Variant Classification Sherloc (09022015). Collection method: clinical testing. Allele origin: germline.

NM_006329.4(FBLN5):c.84G>A (p.Thr28=)

Gene: FBLN5 (fibulin 5; minus strand). Cytogenetic location: 14q32.12.
Variant type: single nucleotide variant.
Coding change: c.84G>A on transcript NM_006329.4 (MANE Select); coding-DNA position 84, G replaced by A.
Protein change: p.Thr28=; no amino-acid change (threonine 28 retained).
Molecular consequence: synonymous variant. On other transcripts: 5 prime UTR variant (2).
Genome position (GRCh38, 1-based): chr14:91,940,605, C>T on the plus strand (G>A on the coding strand, the complement: FBLN5 is on the minus strand). VCF-style: chr14-91940605-C-T. GRCh37 (hg19) VCF-style: chr14-92406949-C-T.
Other names: c.84G>A, p.Thr28= (NM_001384158.1, NM_001384160.1); c.135G>A, p.Thr45= (NM_001384159.1); c.-186G>A (NM_001384161.1, NM_001384162.1).
Identifiers: ClinVar variation 1557384 (VCV001557384.15), dbSNP rs769640233, ClinGen allele CA7312954.
Genomic context (GRCh38, chr14:91,940,605, plus strand): 5'-GGATCCACAGTGGCTCATACCTAAACACTGTCCTGACTGGCGATCCAGGTCAAAGCCATT[C>T]GTGCACTGTGCCTGCAGGGAAGGAGAGAGGAGAAACAGGCAAGGTCATTTCACACCATAA-3'
Protein context (NP_006320.2, residues 18-38): PSPGNAQAQC[Thr28=]NGFDLDRQSG